The following is an entry in ClinVar:

ClinVar aggregate classification (germline): Uncertain significance (1 of 4 stars; one submission).

gnomAD v4.1: 29 of 1,580,740 alleles (0.0018%); highest among the groups gnomAD compares: Non-Finnish European, 0.0023%; no homozygotes.

Submission:

GeneDx
Classification: Uncertain significance. Last evaluated: 2023-06-20. Review status: criteria provided, single submitter. Criteria: GeneDx Variant Classification Process June 2021. Collection method: clinical testing. Allele origin: germline. Affected: yes.
Comment: Not observed at significant frequency in large population cohorts (gnomAD); In silico analysis supports that this missense variant does not alter protein structure/function; Has not been previously published as pathogenic or benign to our knowledge

NM_020937.4(FANCM):c.2662A>T (p.Asn888Tyr)

Gene: FANCM (FA complementation group M; plus strand). Cytogenetic location: 14q21.2.
Variant type: single nucleotide variant.
Coding change: c.2662A>T on transcript NM_020937.4 (MANE Select); coding-DNA position 2662, A replaced by T.
Protein change: p.Asn888Tyr; replaces asparagine 888 with tyrosine.
Molecular consequence: missense variant.
Genome position (GRCh38, 1-based): chr14:45,175,416, A>T. VCF-style: chr14-45175416-A-T. GRCh37 (hg19) VCF-style: chr14-45644619-A-T.
Other names: c.2584A>T, p.Asn862Tyr (NM_001308133.2); short protein forms N862Y, N888Y.
Identifiers: ClinVar variation 3360149 (VCV003360149.1).